The following is an entry in ClinVar:

NM_001018005.2(TPM1):c.53C>A (p.Ala18Asp)

Gene: TPM1 (tropomyosin 1; plus strand). Cytogenetic location: 15q22.2.
Variant type: single nucleotide variant.
Coding change: c.53C>A on transcript NM_001018005.2 (MANE Select); coding-DNA position 53, C replaced by A.
Protein change: p.Ala18Asp; replaces alanine 18 with aspartic acid.
Molecular consequence: missense variant.
Genome position (GRCh38, 1-based): chr15:63,042,882, C>A. VCF-style: chr15-63042882-C-A. GRCh37 (hg19) VCF-style: chr15-63335081-C-A.
Other names: c.53C>A, p.Ala18Asp (NM_000366.6, NM_001018004.2, NM_001018006.2 and 7 more transcripts); short protein forms A18D.
Identifiers: ClinVar variation 1502561 (VCV001502561.7), dbSNP rs730881150, ClinGen allele CA019030.

ClinVar aggregate classification (germline): Uncertain significance (1 of 4 stars; one submission).

Conditions:
Hypertrophic cardiomyopathy. Also called: HYPERTROPHIC MYOCARDIOPATHY. Identifiers: Orphanet 217569, MedGen C0007194, MeSH D002312, MONDO:0005045, HP:0001639.

Submission:

Labcorp Genetics (formerly Invitae), Labcorp
Classification: Uncertain significance for Hypertrophic cardiomyopathy. Last evaluated: 2021-06-30. Review status: criteria provided, single submitter. Criteria: Invitae Variant Classification Sherloc (09022015). Collection method: clinical testing. Allele origin: germline.
Comment: This sequence change replaces alanine with aspartic acid at codon 18 of the TPM1 protein (p.Ala18Asp). The alanine residue is moderately conserved and there is a moderate physicochemical difference between alanine and aspartic acid. This variant is not present in population databases (ExAC no frequency). This variant has not been reported in the literature in individuals affected with TPM1-related conditions. Algorithms developed to predict the effect of missense changes on protein structure and function are either unavailable or do not agree on the potential impact of this missense change (SIFT: "Deleterious"; PolyPhen-2: "Probably Damaging"; Align-GVGD: "Class C0"). In summary, the available evidence is currently insufficient to determine the role of this variant in disease. Therefore, it has been classified as a Variant of Uncertain Significance.